The following is an entry in ClinVar:

ClinVar aggregate classification (germline): Uncertain significance (1 of 4 stars; one submission).

Conditions:
Combined immunodeficiency due to ORAI1 deficiency. Also called: IMMUNODEFICIENCY 9. Identifiers: Orphanet 169090, Orphanet 317428, MedGen C2748568, MONDO:0013007, OMIM 612782.
Myopathy, tubular aggregate, 2 (TAM2). Identifiers: MedGen C4014557, MONDO:0014383, OMIM 615883.

Allele frequency attached by ClinVar (database versions not stated): gnomAD exomes below 0.00001.

Submission:

Labcorp Genetics (formerly Invitae), Labcorp
Classification: Uncertain significance for Myopathy, tubular aggregate, 2; Combined immunodeficiency due to ORAI1 deficiency. Last evaluated: 2025-07-27. Review status: criteria provided, single submitter. Criteria: Invitae Variant Classification Sherloc (09022015). Collection method: clinical testing. Allele origin: germline.
Comment: This sequence change replaces threonine, which is neutral and polar, with serine, which is neutral and polar, at codon 266 of the ORAI1 protein (p.Thr266Ser). This variant is present in population databases (no rsID available, gnomAD 0.003%). This variant has not been reported in the literature in individuals affected with ORAI1-related conditions. ClinVar contains an entry for this variant (Variation ID: 970581). Experimental studies and prediction algorithms are not available or were not evaluated, and the functional significance of this variant is currently unknown. In summary, the available evidence is currently insufficient to determine the role of this variant in disease. Therefore, it has been classified as a Variant of Uncertain Significance.

NC_000012.12:g.121641533A>T

Gene: ORAI1 (ORAI calcium release-activated calcium modulator 1; plus strand). Cytogenetic location: 12q24.31.
Variant type: single nucleotide variant.
Genome position: GRCh38 VCF-style: chr12-121641533-A-T. GRCh37 (hg19) VCF-style: chr12-122079439-A-T.
Other names: c.796A>T, p.Thr266Ser (NM_032790.4); short protein forms T266S.
Identifiers: ClinVar variation 970581 (VCV000970581.8), dbSNP rs1555324156, ClinGen allele CA386984542.